The following is an entry in ClinVar:

NM_170606.3(KMT2C):c.7881A>G (p.Gln2627=)

Gene: KMT2C (lysine methyltransferase 2C; minus strand). Cytogenetic location: 7q36.1.
Variant type: single nucleotide variant.
Coding change: c.7881A>G on transcript NM_170606.3 (MANE Select); coding-DNA position 7881, A replaced by G.
Protein change: p.Gln2627=; no amino-acid change (glutamine 2627 retained).
Molecular consequence: synonymous variant.
Genome position (GRCh38, 1-based): chr7:152,177,572, T>C on the plus strand (A>G on the coding strand, the complement: KMT2C is on the minus strand). VCF-style: chr7-152177572-T-C. GRCh37 (hg19) VCF-style: chr7-151874657-T-C.
Other names: c.7881A>G (NM_170606.2).
Identifiers: ClinVar variation 1614963 (VCV001614963.33), dbSNP rs143147669, ClinGen allele CA4579750.
Genomic context (GRCh38, chr7:152,177,572, plus strand): 5'-CCTCATGACCATAGAAGATGAATGGACAGAATGACCTTGCTCTTGTTGAGATGGTGGCAC[T>C]TGTTCCAAATCTGGGTGCACAGGTAGCTGATTAGGTAGACCCTGGGGAGGTCGTCGCATG-3'
Protein context (NP_733751.2, residues 2617-2637): NQLPVHPDLE[Gln2627=]VPPSQQEQGH

ClinVar aggregate classification (germline): Benign/Likely benign. Review status: criteria provided, multiple submitters, no conflicts (2 of 4 stars). 3 submissions from 3 submitters: Benign (1); Likely benign (2). Last evaluated 2025-11-13.

Conditions:
KMT2C-related disorder. Also called: KMT2C-related condition; KMT2C-related disorders.

Allele frequency attached by ClinVar (database versions not stated): gnomAD exomes 0.00009 and 0.00016; ExAC 0.00014; gnomAD 0.00048 and 0.00049; TOPMed 0.00049; 1000 Genomes Project 30x 0.00062; ESP Exome Variant Server 0.00062; 1000 Genomes Project 0.00080.
gnomAD v4.1: 216 of 1,614,210 alleles (0.013%); highest among the groups gnomAD compares: African/African-American, 0.12%; 1 homozygote.

Submissions (3):

PreventionGenetics, part of Exact Sciences
Classification: Likely benign for KMT2C-related condition. Last evaluated: 2025-11-13. Review status: criteria provided, single submitter. Criteria: ACMG Guidelines, 2015. Collection method: clinical testing. Allele origin: germline.
Comment: This variant is classified as likely benign based on ACMG/AMP sequence variant interpretation guidelines (Richards et al. 2015 PMID: 25741868, with internal and published modifications).

Labcorp Genetics (formerly Invitae), Labcorp
Classification: Benign. Last evaluated: 2025-08-29. Review status: criteria provided, single submitter. Criteria: Invitae Variant Classification Sherloc (09022015). Collection method: clinical testing. Allele origin: germline.

CeGaT Center for Human Genetics Tuebingen
Classification: Likely benign. Last evaluated: 2024-02-01. Review status: criteria provided, single submitter. Criteria: CeGaT Center For Human Genetics Tuebingen Variant Classification Criteria Version 2. Collection method: clinical testing. Allele origin: germline. Affected: yes. Observed: 3 variant alleles.
Comment: KMT2C: BP4, BP7, BS1